The following is an entry in ClinVar:

ClinVar aggregate classification (germline): Uncertain significance. Review status: criteria provided, multiple submitters, no conflicts (2 of 4 stars). 2 submissions from 2 submitters: Uncertain significance (2). Last evaluated 2024-05-20.

Conditions:
Inborn genetic diseases. Identifiers: MedGen C0950123, MeSH D030342.
Centromeric instability of chromosomes 1,9 and 16 and immunodeficiency (ICF1). Also called: IMMUNE DEFICIENCY, VARIABLE, WITH CENTROMERIC INSTABILITY OF CHROMOSOMES 1, 9, AND 16; IMMUNODEFICIENCY SYNDROME, VARIABLE; CENTROMERIC INSTABILITY, IMMUNODEFICIENCY SYNDROME; Immunodeficiency-centromeric instability-facial anomalies. Identifiers: Orphanet 2268, MedGen C0398788, MONDO:0000133.

Allele frequency attached by ClinVar (database versions not stated): ExAC 0.00002; gnomAD 0.00003; gnomAD exomes 0.00003 and 0.00010; TOPMed 0.00003.
gnomAD v4.1: 156 of 1,613,982 alleles (0.0097%); highest among the groups gnomAD compares: Non-Finnish European, 0.013%; no homozygotes.

Submissions (2):

Ambry Genetics
Classification: Uncertain significance for Inborn genetic diseases. Last evaluated: 2024-05-20. Review status: criteria provided, single submitter. Criteria: Ambry Variant Classification Scheme 2023. Collection method: clinical testing. Allele origin: germline.

Labcorp Genetics (formerly Invitae), Labcorp
Classification: Uncertain significance for Centromeric instability of chromosomes 1,9 and 16 and immunodeficiency. Last evaluated: 2022-07-05. Review status: criteria provided, single submitter. Criteria: Invitae Variant Classification Sherloc (09022015). Collection method: clinical testing. Allele origin: germline.
Comment: This sequence change replaces glycine, which is neutral and non-polar, with aspartic acid, which is acidic and polar, at codon 48 of the DNMT3B protein (p.Gly48Asp). This variant is present in population databases (rs762185930, gnomAD 0.006%). This variant has not been reported in the literature in individuals affected with DNMT3B-related conditions. ClinVar contains an entry for this variant (Variation ID: 574974). Algorithms developed to predict the effect of missense changes on protein structure and function are either unavailable or do not agree on the potential impact of this missense change (SIFT: "Tolerated"; PolyPhen-2: "Possibly Damaging"; Align-GVGD: "Class C0"). In summary, the available evidence is currently insufficient to determine the role of this variant in disease. Therefore, it has been classified as a Variant of Uncertain Significance.

NM_006892.4(DNMT3B):c.143G>A (p.Gly48Asp)

Gene: DNMT3B (DNA methyltransferase 3 beta; plus strand). Cytogenetic location: 20q11.21.
Variant type: single nucleotide variant.
Coding change: c.143G>A on transcript NM_006892.4 (MANE Select); coding-DNA position 143, G replaced by A.
Protein change: p.Gly48Asp; replaces glycine 48 with aspartic acid.
Molecular consequence: missense variant.
Genome position (GRCh38, 1-based): chr20:32,781,353, G>A. VCF-style: chr20-32781353-G-A. GRCh37 (hg19) VCF-style: chr20-31369159-G-A.
Other names: c.143G>A, p.Gly48Asp (NM_001207055.2, NM_001207056.2, NM_175848.2 and 1 more transcripts); c.179G>A, p.Gly60Asp (NM_175850.3); short protein forms G48D, G60D.
Identifiers: ClinVar variation 574974 (VCV000574974.8), dbSNP rs762185930, ClinGen allele CA9810073.
Genomic context (GRCh38, chr20:32,781,353, plus strand): 5'-GCCGTTCCCCAGACTGGTGCCTGCCCCCACAAAACAGACTCCTGGCTGTTTCCTCTACAG[G>A]CCGAAGATCAAGCTCGCGACTCTCCAAGAGGGAGGTGTCCAGTCTGCTAAGCTACACACA-3'
Protein context (NP_008823.1, residues 38-58): LEAIRTPEIR[Gly48Asp]RRSSSRLSKR